The following is an entry in ClinVar:

NM_001112741.2(KCNC1):c.1297C>T (p.Pro433Ser)

Gene: KCNC1 (potassium voltage-gated channel subfamily C member 1; plus strand). Cytogenetic location: 11p15.1.
Variant type: single nucleotide variant.
Coding change: c.1297C>T on transcript NM_001112741.2 (MANE Select); coding-DNA position 1297, C replaced by T.
Protein change: p.Pro433Ser; replaces proline 433 with serine.
Molecular consequence: missense variant.
Genome position (GRCh38, 1-based): chr11:17,772,391, C>T. VCF-style: chr11-17772391-C-T. GRCh37 (hg19) VCF-style: chr11-17793938-C-T.
Other names: c.1297C>T, p.Pro433Ser (NM_004976.4); short protein forms P433S.
Identifiers: ClinVar variation 3862658 (VCV003862658.1).

ClinVar aggregate classification (germline): Uncertain significance (1 of 4 stars; one submission).

Conditions:
Inborn genetic diseases. Identifiers: MedGen C0950123, MeSH D030342.

Submission:

Ambry Genetics
Classification: Uncertain significance for Inborn genetic diseases. Last evaluated: 2025-01-30. Review status: criteria provided, single submitter. Criteria: Ambry Variant Classification Scheme 2023. Collection method: clinical testing. Allele origin: germline.
Comment: The c.1297C>T (p.P433S) alteration is located in exon 2 (coding exon 2) of the KCNC1 gene. This alteration results from a C to T substitution at nucleotide position 1297, causing the proline (P) at amino acid position 433 to be replaced by a serine (S). This variant was not reported in population-based cohorts in the Genome Aggregation Database (gnomAD). This amino acid position is highly conserved in available vertebrate species. This missense alteration is located in a region that has a low rate of benign missense variation (Lek, 2016; Firth, 2009). This alteration is predicted to be deleterious by in silico analysis. Based on insufficient or conflicting evidence, the clinical significance of this alteration remains unclear.